The following is an entry in ClinVar:

NM_000059.4(BRCA2):c.425+285C>T

Gene: BRCA2 (BRCA2 DNA repair associated; plus strand). Cytogenetic location: 13q13.1.
Variant type: single nucleotide variant.
Coding change: c.425+285C>T on transcript NM_000059.4 (MANE Select); 285 bases into the intron after coding-DNA position 425, C replaced by T.
Molecular consequence: intron variant.
Genome position (GRCh38, 1-based): chr13:32,325,469, C>T. VCF-style: chr13-32325469-C-T. GRCh37 (hg19) VCF-style: chr13-32899606-C-T.
Identifiers: ClinVar variation 264915 (VCV000264915.1), dbSNP rs114789602, ClinGen allele CA10588076.

ClinVar aggregate classification (germline): Benign (3 of 4 stars; one submission).

Conditions:
Breast-ovarian cancer, familial, susceptibility to, 2 (BROVCA2). Also called: BRCA2 Hereditary Breast and Ovarian Cancer. Identifiers: Orphanet 145, MedGen C2675520, MONDO:0012933, OMIM 612555. Disease mechanism: loss of function.

Allele frequency attached by ClinVar (database versions not stated): gnomAD 0.00319 and 0.00334; TOPMed 0.00355; 1000 Genomes Project 30x 0.00531; 1000 Genomes Project 0.00599.
gnomAD v4.1: 476 of 151,576 alleles (0.31%); highest among the groups gnomAD compares: African/African-American, 1.1%; 2 homozygotes.

Submission:

Evidence-based Network for the Interpretation of Germline Mutant Alleles (ENIGMA)
Classification: Benign for Breast-ovarian cancer, familial, susceptibility to, 2. Last evaluated: 2016-09-28. Review status: reviewed by expert panel. Criteria: ENIGMA BRCA1/2 Classification Criteria (2015). Collection method: curation. Allele origin: germline.
Comment: Class 1 not pathogenic based on frequency >1% in an outbred sampleset. Frequency 0.0227 (African), derived from 1000 genomes (2013-05-02).